The following is an entry in ClinVar:

NM_006204.4(PDE6C):c.1176T>C (p.Ile392=)

Gene: PDE6C (phosphodiesterase 6C; plus strand). Cytogenetic location: 10q23.33.
Variant type: single nucleotide variant.
Coding change: c.1176T>C on transcript NM_006204.4 (MANE Select); coding-DNA position 1176, T replaced by C.
Protein change: p.Ile392=; no amino-acid change (isoleucine 392 retained).
Molecular consequence: synonymous variant.
Genome position (GRCh38, 1-based): chr10:93,634,814, T>C. VCF-style: chr10-93634814-T-C. GRCh37 (hg19) VCF-style: chr10-95394571-T-C.
Other names: c.1176T>C (NM_006204.3).
Identifiers: ClinVar variation 1643320 (VCV001643320.11), dbSNP rs765966527, ClinGen allele CA5610107.
Genomic context (GRCh38, chr10:93,634,814, plus strand): 5'-GTAGAAAGGACCTGTAGACGAAACTGGTTGGGTCATTAAGAATGTTTTGTCCCTGCCTAT[T>C]GTCAACAAGAAAGAAGATATTGTGGGAGTGGCTACATTTTACAACAGGAAGGATGGAAAA-3'
Protein context (NP_006195.3, residues 382-402): WVIKNVLSLP[Ile392=]VNKKEDIVGV

ClinVar aggregate classification (germline): Likely benign. Review status: criteria provided, multiple submitters, no conflicts (2 of 4 stars). 3 submissions from 3 submitters: Likely benign (2). 1 of the submissions does not count toward it. Last evaluated 2024-12-24.

Conditions:
PDE6C-related disorder. Also called: PDE6C-related condition.

Allele frequency attached by ClinVar (database versions not stated): ExAC 0.00002; gnomAD 0.00002; gnomAD exomes 0.00002 and 0.00005; TOPMed 0.00003.
gnomAD v4.1: 70 of 1,614,030 alleles (0.0043%); highest among the groups gnomAD compares: Non-Finnish European, 0.0059%; no homozygotes.

Submissions (3):

Labcorp Genetics (formerly Invitae), Labcorp
Classification: Likely benign. Last evaluated: 2024-12-24. Review status: criteria provided, single submitter. Criteria: Invitae Variant Classification Sherloc (09022015). Collection method: clinical testing. Allele origin: germline.

Blueprint Genetics
Classification: Likely benign. Last evaluated: 2021-09-09. Review status: criteria provided, single submitter. Criteria: ACMG Guidelines, 2015. Collection method: clinical testing. Allele origin: germline.

PreventionGenetics, part of Exact Sciences
Classification: Likely benign for PDE6C-related condition. Last evaluated: 2019-07-12. Review status: no assertion criteria provided. Collection method: clinical testing. Allele origin: germline. Not counted in ClinVar's aggregate classification.
Comment: This variant is classified as likely benign based on ACMG/AMP sequence variant interpretation guidelines (Richards et al. 2015 PMID: 25741868, with internal and published modifications).